The following is an entry in ClinVar:

ClinVar aggregate classification (germline): Pathogenic. Review status: criteria provided, multiple submitters, no conflicts (2 of 4 stars). 2 submissions from 2 submitters: Pathogenic (2). Last evaluated 2024-09-27.

Conditions:
Inborn genetic diseases. Identifiers: MedGen C0950123, MeSH D030342.

gnomAD v4.1: 17 of 1,613,040 alleles (0.0011%); highest among the groups gnomAD compares: Admixed American, 0.0017%; no homozygotes.

Submissions (2):

Ambry Genetics
Classification: Pathogenic for Inborn genetic diseases. Last evaluated: 2024-09-27. Review status: criteria provided, single submitter. Criteria: Ambry Variant Classification Scheme 2023. Collection method: clinical testing. Allele origin: germline.
Comment: The c.3094C>T (p.R1032*) alteration, located in exon 29 (coding exon 29) of the VARS2 gene, consists of a C to T substitution at nucleotide position 3094. This changes the amino acid from a arginine (R) to a stop codon at amino acid position 1032. This alteration is expected to result in loss of function by premature protein truncation or nonsense-mediated mRNA decay. This allele was reported in one heterozygous individual in population-based cohorts in the Genome Aggregation Database (gnomAD). Based on the available evidence, this alteration is classified as pathogenic.

Labcorp Genetics (formerly Invitae), Labcorp
Classification: Pathogenic. Last evaluated: 2023-11-27. Review status: criteria provided, single submitter. Criteria: Invitae Variant Classification Sherloc (09022015). Collection method: clinical testing. Allele origin: germline.
Comment: This sequence change creates a premature translational stop signal (p.Arg1032*) in the VARS2 gene. It is expected to result in an absent or disrupted protein product. Loss-of-function variants in VARS2 are known to be pathogenic (PMID: 29313548). This variant is present in population databases (no rsID available, gnomAD 0.0009%). This variant has not been reported in the literature in individuals affected with VARS2-related conditions. ClinVar contains an entry for this variant (Variation ID: 1357313). For these reasons, this variant has been classified as Pathogenic.

Literature cited by the submitters: PubMed 29313548 (cited by Labcorp Genetics (formerly Invitae), Labcorp).

NM_020442.6(VARS2):c.3004C>T (p.Arg1002Ter)

Gene: VARS2 (valyl-tRNA synthetase 2, mitochondrial; plus strand). Cytogenetic location: 6p21.33.
Variant type: single nucleotide variant.
Coding change: c.3004C>T on transcript NM_020442.6 (MANE Select); coding-DNA position 3004, C replaced by T.
Protein change: p.Arg1002Ter; replaces arginine 1002 with a stop codon.
Molecular consequence: nonsense.
Genome position (GRCh38, 1-based): chr6:30,925,922, C>T. VCF-style: chr6-30925922-C-T. GRCh37 (hg19) VCF-style: chr6-30893699-C-T.
Other names: c.2584C>T, p.Arg862Ter (NM_001167733.3); c.3094C>T, p.Arg1032Ter (NM_001167734.2); short protein forms R1002*, R862*, R1032*.
Identifiers: ClinVar variation 1357313 (VCV001357313.6), dbSNP rs908881657, ClinGen allele CA136813080.